The following is an entry in ClinVar:

NM_000116.5(TAFAZZIN):c.699+6del

Gene: TAFAZZIN (tafazzin, phospholipid-lysophospholipid transacylase; plus strand). Cytogenetic location: Xq28.
Variant type: Deletion.
Coding change: c.699+6del on transcript NM_000116.5 (MANE Select); 6 bases into the intron after coding-DNA position 699, one base deleted (T; older notation c.699+6delT).
Molecular consequence: intron variant.
Genome position (GRCh38, 1-based): chrX:154,420,270, T deleted. VCF-style (leftmost placement, unchanged base first): chrX-154420269-GT-G. GRCh37 (hg19) VCF-style: chrX-153648608-GT-G.
Other names: c.711+6del (NM_001303465.2); c.663+6del (NM_001410698.1); c.657+6del (NM_181312.4); c.609+6del (NM_181311.4); c.567+6del (NM_181313.4).
Identifiers: ClinVar variation 3727489 (VCV003727489.2).

ClinVar aggregate classification (germline): Uncertain significance (1 of 4 stars; one submission).

Conditions:
3-Methylglutaconic aciduria type 2 (BTHS). Also called: Barth syndrome; CARDIOSKELETAL MYOPATHY WITH NEUTROPENIA AND ABNORMAL MITOCHONDRIA. Identifiers: Orphanet 111, MedGen C0574083, MONDO:0010543, OMIM 302060.

Submission:

Labcorp Genetics (formerly Invitae), Labcorp
Classification: Uncertain significance for 3-Methylglutaconic aciduria type 2. Last evaluated: 2024-12-17. Review status: criteria provided, single submitter. Criteria: Invitae Variant Classification Sherloc (09022015). Collection method: clinical testing. Allele origin: germline.
Comment: This sequence change falls in intron 9 of the TAZ gene. It does not directly change the encoded amino acid sequence of the TAZ protein. This variant is not present in population databases (gnomAD no frequency). This variant has not been reported in the literature in individuals affected with TAZ-related conditions. Algorithms developed to predict the effect of sequence changes on RNA splicing suggest that this variant may disrupt the consensus splice site. In summary, the available evidence is currently insufficient to determine the role of this variant in disease. Therefore, it has been classified as a Variant of Uncertain Significance.